The following is an entry in ClinVar:

NM_002439.5(MSH3):c.2347C>G (p.Pro783Ala)

Gene: MSH3 (mutS homolog 3; plus strand). Cytogenetic location: 5q14.1.
Variant type: single nucleotide variant.
Coding change: c.2347C>G on transcript NM_002439.5 (MANE Select); coding-DNA position 2347, C replaced by G.
Protein change: p.Pro783Ala; replaces proline 783 with alanine.
Molecular consequence: missense variant.
Genome position (GRCh38, 1-based): chr5:80,778,748, C>G. VCF-style: chr5-80778748-C-G. GRCh37 (hg19) VCF-style: chr5-80074567-C-G.
Other names: short protein forms P783A.
Identifiers: ClinVar variation 852076 (VCV000852076.11), dbSNP rs778848549, ClinGen allele CA360281756.

ClinVar aggregate classification (germline): Uncertain significance. Review status: criteria provided, multiple submitters, no conflicts (2 of 4 stars). 3 submissions from 3 submitters: Uncertain significance (3). Last evaluated 2024-10-29.

Conditions:
Familial adenomatous polyposis 4 (FAP4). Also called: MSH3-related attenuated familial adenomatous polyposis. Identifiers: Orphanet 480536, MedGen C4310719, MONDO:0044300, OMIM 617100.
Hereditary cancer-predisposing syndrome. Also called: Neoplastic Syndromes, Hereditary; Hereditary Cancer Syndrome; Tumor predisposition; Hereditary neoplastic syndrome. Identifiers: Orphanet 140162, MedGen C0027672, MeSH D009386, MONDO:0015356.

gnomAD v4.1: 1 of 1,612,286 alleles (0.000062%); highest among the groups gnomAD compares: Non-Finnish European, 0.000085%; no homozygotes.

Submissions (3):

Labcorp Genetics (formerly Invitae), Labcorp
Classification: Uncertain significance. Last evaluated: 2024-10-29. Review status: criteria provided, single submitter. Criteria: Invitae Variant Classification Sherloc (09022015). Collection method: clinical testing. Allele origin: germline.
Comment: This sequence change replaces proline, which is neutral and non-polar, with alanine, which is neutral and non-polar, at codon 783 of the MSH3 protein (p.Pro783Ala). This variant is not present in population databases (gnomAD no frequency). This variant has not been reported in the literature in individuals affected with MSH3-related conditions. ClinVar contains an entry for this variant (Variation ID: 852076). An algorithm developed to predict the effect of missense changes on protein structure and function (PolyPhen-2) suggests that this variant is likely to be disruptive. In summary, the available evidence is currently insufficient to determine the role of this variant in disease. Therefore, it has been classified as a Variant of Uncertain Significance.

Ambry Genetics
Classification: Uncertain significance for Hereditary cancer-predisposing syndrome. Last evaluated: 2024-06-24. Review status: criteria provided, single submitter. Criteria: Ambry Variant Classification Scheme 2023. Collection method: clinical testing. Allele origin: germline.
Comment: The p.P783A variant (also known as c.2347C>G), located in coding exon 17 of the MSH3 gene, results from a C to G substitution at nucleotide position 2347. The proline at codon 783 is replaced by alanine, an amino acid with highly similar properties. This amino acid position is highly conserved in available vertebrate species. In addition, this alteration is predicted to be deleterious by in silico analysis. Based on the available evidence, the clinical significance of this variant remains unclear.

Department of Pathology and Laboratory Medicine, Sinai Health System
Classification: Uncertain significance for Familial adenomatous polyposis 4. Last evaluated: 2023-06-20. Review status: criteria provided, single submitter. Criteria: ACMG Guidelines, 2015. Collection method: clinical testing. Allele origin: germline. Affected: yes.